The following is an entry in ClinVar:

NM_000103.4(CYP19A1):c.1058dup (p.Leu353fs)

Genes: CYP19A1 (cytochrome P450 family 19 subfamily A member 1; minus strand), MIR4713HG (MIR4713 host gene; plus strand), PIRC66 (piwi-interacting RNA cluster 66; plus strand). Cytogenetic location: 15q21.2.
Variant type: Duplication.
Coding change: c.1058dup on transcript NM_000103.4 (MANE Select); coding-DNA position 1058, one base duplicated (T; older notation c.1058dupT).
Protein change: p.Leu353fs; shifts the reading frame from leucine 353.
Molecular consequence: frameshift variant.
Genome position (GRCh38, 1-based): chr15:51,212,525, A duplicated on the plus strand (T on the coding strand, the reverse complement: CYP19A1 is on the minus strand); the first of 2 consecutive A bases (chr15:51,212,525-51,212,526); duplicating either gives the same sequence. VCF-style (leftmost placement, unchanged base first): chr15-51212524-T-TA. GRCh37 (hg19) VCF-style: chr15-51504721-T-TA.
Other names: c.1058dup, p.Leu353fs (NM_001347248.1, NM_001347249.2, NM_001347250.2 and 7 more transcripts); c.1058dupT (NM_031226.2); short protein forms L353fs.
Identifiers: ClinVar variation 653853 (VCV000653853.13), dbSNP rs769461019, ClinGen allele CA7559874.
Genomic context (GRCh38, chr15:51,212,524, plus strand): 5'-GACCAAGTCCACGACAGGCTGGTACCGCATGCTCTCATAAATGAAGTTTTCCATCACTTT[T>TA]AATTTTTGTATATCATCAATCTTTATGTCTCTCTCACCTGTGGAAACAGATAAAAGGAAC-3'

ClinVar aggregate classification (germline): Pathogenic/Likely pathogenic. Review status: criteria provided, multiple submitters, no conflicts (2 of 4 stars). 6 submissions from 6 submitters: Pathogenic (4); Likely pathogenic (2). Last evaluated 2025-10-28.

Conditions:
Aromatase excess syndrome (AEXS). Also called: GYNECOMASTIA, HEREDITARY; Familial gynecomastia, due to increased aromatase activity; AROMATASE ACTIVITY, INCREASED. Identifiers: Orphanet 178345, MedGen C1970109, MONDO:0007690, OMIM 139300.
Aromatase deficiency. Also called: PSEUDOHERMAPHRODITISM, FEMALE, DUE TO PLACENTAL AROMATASE DEFICIENCY; Increased aromatase activity. Identifiers: Orphanet 91, MedGen C1960539, MONDO:0013301, OMIM 613546.
CYP19A1-related disorder. Also called: CYP19A1-related condition.

Submissions (6):

Labcorp Genetics (formerly Invitae), Labcorp
Classification: Pathogenic. Last evaluated: 2025-10-28. Review status: criteria provided, single submitter. Criteria: Invitae Variant Classification Sherloc (09022015). Collection method: clinical testing. Allele origin: germline.
Comment: This sequence change creates a premature translational stop signal (p.Leu353Phefs*10) in the CYP19A1 gene. It is expected to result in an absent or disrupted protein product. Loss-of-function variants in CYP19A1 are known to be pathogenic (PMID: 14602738, 27086564, 27256151). This variant is present in population databases (rs769461019, gnomAD 0.0009%). This premature translational stop signal has been observed in individual(s) with breast cancer and non-Hodgkin lymphoma (PMID: 26822949). ClinVar contains an entry for this variant (Variation ID: 653853). For these reasons, this variant has been classified as Pathogenic.

Natera, Inc.
Classification: Pathogenic for Aromatase deficiency. Last evaluated: 2025-10-07. Review status: criteria provided, single submitter. Criteria: Natera Variant Classification Schema (03/2026). Collection method: clinical testing. Allele origin: germline.
Comment: The c.1058dupT variant in CYP19A1 is a frameshift variant predicted to shift the reading frame beginning at codon 353 and leads to a stop codon 10 codons downstream. This variant is expected to result in nonsense mediated decay, truncation, or a dysfunctional protein product. This variant is rare in the general population with a frequency below the threshold expected for the associated phenotype(s). This variant has been observed in one or more individuals affected with the associated recessive disease, as either homozygous or compound heterozygous with a second variant (PMID: 32318648, 19844120, 35432193). Given the available evidence, this variant is classified as Pathogenic.

Revvity Omics, Revvity
Classification: Pathogenic. Last evaluated: 2025-03-28. Review status: criteria provided, single submitter. Criteria: ACMG Guidelines, 2015. Collection method: clinical testing. Allele origin: germline.

Fulgent Genetics
Classification: Likely pathogenic for Aromatase excess syndrome; Aromatase deficiency. Last evaluated: 2023-12-28. Review status: criteria provided, single submitter. Criteria: ACMG Guidelines, 2015. Collection method: clinical testing. Allele origin: germline.

Blueprint Genetics
Classification: Pathogenic for CYP19A1-related disorders. Last evaluated: 2023-05-15. Review status: criteria provided, single submitter. Criteria: ACMG Guidelines, 2015. Collection method: clinical testing. Allele origin: germline. Affected: yes. Observed: 4 variant alleles.

GeneDx
Classification: Likely pathogenic. Last evaluated: 2021-06-15. Review status: criteria provided, single submitter. Criteria: GeneDx Variant Classification Process June 2021. Collection method: clinical testing. Allele origin: germline. Affected: yes.
Comment: Reported in an individual with breast cancer and non-Hodgkin lymphoma (Lhota et al., 2016); Frameshift variant predicted to result in protein truncation or nonsense mediated decay in a gene for which loss-of-function is a known mechanism of disease; This variant is associated with the following publications: (PMID: 26822949, 27086564, 14602738, 27256151, 15046111)

Literature cited by the submitters: PubMed 14602738 (cited by Labcorp Genetics (formerly Invitae), Labcorp); PubMed 27086564 (cited by Labcorp Genetics (formerly Invitae), Labcorp); PubMed 27256151 (cited by Labcorp Genetics (formerly Invitae), Labcorp); PubMed 26822949 (cited by Labcorp Genetics (formerly Invitae), Labcorp); PubMed 32318648 (cited by Natera, Inc.); PubMed 19844120 (cited by Natera, Inc.); PubMed 35432193 (cited by Natera, Inc.).